The following is an entry in ClinVar:

NM_182643.3(DLC1):c.616C>T (p.Pro206Ser)

Gene: DLC1 (DLC1 Rho GTPase activating protein; minus strand). Cytogenetic location: 8p22.
Variant type: single nucleotide variant.
Coding change: c.616C>T on transcript NM_182643.3 (MANE Select); coding-DNA position 616, C replaced by T.
Protein change: p.Pro206Ser; replaces proline 206 with serine.
Molecular consequence: missense variant. On other transcripts: 5 prime UTR variant (1).
Genome position (GRCh38, 1-based): chr8:13,499,456, G>A on the plus strand (C>T on the coding strand, the complement: DLC1 is on the minus strand). VCF-style: chr8-13499456-G-A. GRCh37 (hg19) VCF-style: chr8-13356965-G-A.
Other names: c.616C>T (NM_182643.2); c.616C>T, p.Pro206Ser (NM_001348081.2, NM_001413124.1, NM_001413125.1 and 1 more transcripts); c.-836C>T (NM_001348082.2); short protein forms P206S.
Identifiers: ClinVar variation 2103800 (VCV002103800.5), dbSNP rs556167966, ClinGen allele CA4639461.
Genomic context (GRCh38, chr8:13,499,456, plus strand): 5'-GCAATTGTTTCTCAGGTGCAATATCTTTCACGTTCAAAGTATCCACTGCATTTACTTTGG[G>A]TGCATCTTTTATTTCACTTAAGCTTATTTCATTGCAAAGCTCCAGGCTTTTACTTATAGA-3'
Protein context (NP_872584.2, residues 196-216): EISLSEIKDA[Pro206Ser]KVNAVDTLNV

ClinVar aggregate classification (germline): Conflicting classifications of pathogenicity. Review status: criteria provided, conflicting classifications (1 of 4 stars). 2 submissions from 2 submitters: Uncertain significance (1); Likely benign (1). Last evaluated 2025-08-31.

Allele frequency attached by ClinVar (database versions not stated): gnomAD 0.00001; ExAC 0.00006; 1000 Genomes Project 30x 0.00016; 1000 Genomes Project 0.00020.
gnomAD v4.1: 17 of 1,613,974 alleles (0.0011%); highest among the groups gnomAD compares: East Asian, 0.029%; no homozygotes.

Submissions (2):

Ambry Genetics
Classification: Likely benign. Last evaluated: 2025-08-31. Review status: criteria provided, single submitter. Criteria: Ambry Variant Classification Scheme 2023. Collection method: clinical testing. Allele origin: germline.

Labcorp Genetics (formerly Invitae), Labcorp
Classification: Uncertain significance. Last evaluated: 2024-06-03. Review status: criteria provided, single submitter. Criteria: Invitae Variant Classification Sherloc (09022015). Collection method: clinical testing. Allele origin: germline.
Comment: This sequence change replaces proline, which is neutral and non-polar, with serine, which is neutral and polar, at codon 206 of the DLC1 protein (p.Pro206Ser). This variant is present in population databases (rs556167966, gnomAD 0.06%), and has an allele count higher than expected for a pathogenic variant. This variant has not been reported in the literature in individuals affected with DLC1-related conditions. ClinVar contains an entry for this variant (Variation ID: 2103800). Algorithms developed to predict the effect of missense changes on protein structure and function output the following: SIFT: "Not Available"; PolyPhen-2: "Benign"; Align-GVGD: "Not Available". The serine amino acid residue is found in multiple mammalian species, which suggests that this missense change does not adversely affect protein function. In summary, the available evidence is currently insufficient to determine the role of this variant in disease. Therefore, it has been classified as a Variant of Uncertain Significance.